The following is an entry in ClinVar:

ClinVar aggregate classification (germline): Uncertain significance (1 of 4 stars; one submission).

Allele frequency attached by ClinVar (database versions not stated): TOPMed 0.00001.

Submission:

Labcorp Genetics (formerly Invitae), Labcorp
Classification: Uncertain significance. Last evaluated: 2022-07-14. Review status: criteria provided, single submitter. Criteria: Invitae Variant Classification Sherloc (09022015). Collection method: clinical testing. Allele origin: germline.
Comment: This sequence change replaces glycine, which is neutral and non-polar, with arginine, which is basic and polar, at codon 200 of the PPCS protein (p.Gly200Arg). This variant is not present in population databases (gnomAD no frequency). This variant has not been reported in the literature in individuals affected with PPCS-related conditions. Algorithms developed to predict the effect of missense changes on protein structure and function output the following: SIFT: "Tolerated"; PolyPhen-2: "Benign"; Align-GVGD: "Class C0". The arginine amino acid residue is found in multiple mammalian species, which suggests that this missense change does not adversely affect protein function. In summary, the available evidence is currently insufficient to determine the role of this variant in disease. Therefore, it has been classified as a Variant of Uncertain Significance.

NM_024664.4(PPCS):c.598G>C (p.Gly200Arg)

Genes: CCDC30 (coiled-coil domain containing 30; plus strand), PPCS (phosphopantothenoylcysteine synthetase; plus strand). Cytogenetic location: 1p34.2.
Variant type: single nucleotide variant.
Coding change: c.598G>C on transcript NM_024664.4 (MANE Select); coding-DNA position 598, G replaced by C.
Protein change: p.Gly200Arg; replaces glycine 200 with arginine.
Molecular consequence: missense variant. On other transcripts: 5 prime UTR variant (2).
Genome position (GRCh38, 1-based): chr1:42,457,336, G>C. VCF-style: chr1-42457336-G-C. GRCh37 (hg19) VCF-style: chr1-42923007-G-C.
Other names: c.-894G>C (NM_001355226.2); c.79G>C, p.Gly27Arg (NM_001077447.3, NM_001287506.1, NM_001287508.2 and 2 more transcripts); c.-238G>C (NM_001287507.1); c.598G>C, p.Gly200Arg (NM_001287511.2); short protein forms G27R, G200R.
Identifiers: ClinVar variation 2080692 (VCV002080692.3), dbSNP rs1643244361, ClinGen allele CA339948255.